The following is an entry in ClinVar:

ClinVar aggregate classification (germline): Uncertain significance (1 of 4 stars; one submission).

Allele frequency attached by ClinVar (database versions not stated): TOPMed 0.00003; gnomAD exomes 0.00001; ExAC 0.00002.
gnomAD v4.1: 16 of 1,614,156 alleles (0.00099%); highest among the groups gnomAD compares: East Asian, 0.036%; no homozygotes.

Submission:

Labcorp Genetics (formerly Invitae), Labcorp
Classification: Uncertain significance. Last evaluated: 2025-01-22. Review status: criteria provided, single submitter. Criteria: Invitae Variant Classification Sherloc (09022015). Collection method: clinical testing. Allele origin: germline.
Comment: This sequence change replaces proline, which is neutral and non-polar, with leucine, which is neutral and non-polar, at codon 572 of the NOTCH3 protein (p.Pro572Leu). This variant is present in population databases (rs773507679, gnomAD 0.03%). This missense change has been observed in individual(s) with NOTCH3-related conditions (PMID: 26002683, 32555735, 34720994). ClinVar contains an entry for this variant (Variation ID: 2736831). Invitae Evidence Modeling of protein sequence and biophysical properties (such as structural, functional, and spatial information, amino acid conservation, physicochemical variation, residue mobility, and thermodynamic stability) has been performed for this missense variant. However, the output from this modeling did not meet the statistical confidence thresholds required to predict the impact of this variant on NOTCH3 protein function. In summary, the available evidence is currently insufficient to determine the role of this variant in disease. Therefore, it has been classified as a Variant of Uncertain Significance.

Literature cited by the submitters: PubMed 26002683; PubMed 32555735; PubMed 34720994.

NM_000435.3(NOTCH3):c.1715C>T (p.Pro572Leu)

Gene: NOTCH3 (notch receptor 3; minus strand). Cytogenetic location: 19p13.12.
Variant type: single nucleotide variant.
Coding change: c.1715C>T on transcript NM_000435.3 (MANE Select); coding-DNA position 1715, C replaced by T.
Protein change: p.Pro572Leu; replaces proline 572 with leucine.
Molecular consequence: missense variant.
Genome position (GRCh38, 1-based): chr19:15,187,230, G>A on the plus strand (C>T on the coding strand, the complement: NOTCH3 is on the minus strand). VCF-style: chr19-15187230-G-A. GRCh37 (hg19) VCF-style: chr19-15298041-G-A.
Other names: short protein forms P572L.
Identifiers: ClinVar variation 2736831 (VCV002736831.3), dbSNP rs773507679, ClinGen allele CA9263571.